The following is an entry in ClinVar:

NM_004738.5(VAPB):c.233A>G (p.Tyr78Cys)

Gene: VAPB (VAMP associated protein B and C; plus strand). Cytogenetic location: 20q13.32.
Variant type: single nucleotide variant.
Coding change: c.233A>G on transcript NM_004738.5 (MANE Select); coding-DNA position 233, A replaced by G.
Protein change: p.Tyr78Cys; replaces tyrosine 78 with cysteine.
Molecular consequence: missense variant. On other transcripts: intron variant (1).
Genome position (GRCh38, 1-based): chr20:58,434,623, A>G. VCF-style: chr20-58434623-A-G. GRCh37 (hg19) VCF-style: chr20-57009679-A-G.
Other names: c.212-9454A>G (NM_001195677.2); c.233A>G (NM_004738.4); short protein forms Y78C.
Identifiers: ClinVar variation 1425782 (VCV001425782.9), dbSNP rs1475473253, ClinGen allele CA409439086.

ClinVar aggregate classification (germline): Uncertain significance. Review status: criteria provided, multiple submitters, no conflicts (2 of 4 stars). 2 submissions from 2 submitters: Uncertain significance (2). Last evaluated 2023-12-16.

Conditions:
Inborn genetic diseases. Identifiers: MedGen C0950123, MeSH D030342.
Amyotrophic lateral sclerosis type 8 (ALS8). Identifiers: Orphanet 803, MedGen C1837728, MONDO:0012077, OMIM 608627.
Adult-onset proximal spinal muscular atrophy, autosomal dominant. Also called: Spinal muscular atrophy, late-onset, finkel type; FINKEL LATE-ADULT TYPE SMA. Identifiers: Orphanet 209335, MedGen C1854058, MONDO:0008453, OMIM 182980.

Allele frequency attached by ClinVar (database versions not stated): TOPMed below 0.00001; gnomAD 0.00001.
gnomAD v4.1: 3 of 1,582,814 alleles (0.00019%); highest among the groups gnomAD compares: Admixed American, 0.0017%; no homozygotes.

Submissions (2):

Ambry Genetics
Classification: Uncertain significance for Inborn genetic diseases. Last evaluated: 2023-12-16. Review status: criteria provided, single submitter. Criteria: Ambry Variant Classification Scheme 2023. Collection method: clinical testing. Allele origin: germline.

Labcorp Genetics (formerly Invitae), Labcorp
Classification: Uncertain significance for Adult-onset proximal spinal muscular atrophy, autosomal dominant; Amyotrophic lateral sclerosis type 8. Last evaluated: 2021-06-16. Review status: criteria provided, single submitter. Criteria: Invitae Variant Classification Sherloc (09022015). Collection method: clinical testing. Allele origin: germline.
Comment: In summary, the available evidence is currently insufficient to determine the role of this variant in disease. Therefore, it has been classified as a Variant of Uncertain Significance. Algorithms developed to predict the effect of missense changes on protein structure and function are either unavailable or do not agree on the potential impact of this missense change (SIFT: "Not Available"; PolyPhen-2: "Probably Damaging"; Align-GVGD: "Not Available"). This variant has not been reported in the literature in individuals with VAPB-related conditions. This variant is not present in population databases (ExAC no frequency). This sequence change replaces tyrosine with cysteine at codon 78 of the VAPB protein (p.Tyr78Cys). The tyrosine residue is moderately conserved and there is a large physicochemical difference between tyrosine and cysteine.